The following is an entry in ClinVar:

ClinVar aggregate classification (germline): Uncertain significance (1 of 4 stars; one submission).

Allele frequency attached by ClinVar (database versions not stated): gnomAD exomes below 0.00001.
gnomAD v4.1: 7 of 1,612,366 alleles (0.00043%); highest among the groups gnomAD compares: Non-Finnish European, 0.00025%; no homozygotes.

Submission:

Labcorp Genetics (formerly Invitae), Labcorp
Classification: Uncertain significance. Last evaluated: 2022-07-09. Review status: criteria provided, single submitter. Criteria: Invitae Variant Classification Sherloc (09022015). Collection method: clinical testing. Allele origin: germline.
Comment: In summary, the available evidence is currently insufficient to determine the role of this variant in disease. Therefore, it has been classified as a Variant of Uncertain Significance. Algorithms developed to predict the effect of missense changes on protein structure and function are either unavailable or do not agree on the potential impact of this missense change (SIFT: "Deleterious"; PolyPhen-2: "Possibly Damaging"; Align-GVGD: "Class C0"). This variant has not been reported in the literature in individuals affected with RAI1-related conditions. This variant is present in population databases (no rsID available, gnomAD 0.0009%). This sequence change replaces glycine, which is neutral and non-polar, with arginine, which is basic and polar, at codon 879 of the RAI1 protein (p.Gly879Arg).

NM_030665.4(RAI1):c.2635G>C (p.Gly879Arg)

Gene: RAI1 (retinoic acid induced 1; plus strand). Cytogenetic location: 17p11.2.
Variant type: single nucleotide variant.
Coding change: c.2635G>C on transcript NM_030665.4 (MANE Select); coding-DNA position 2635, G replaced by C.
Protein change: p.Gly879Arg; replaces glycine 879 with arginine.
Molecular consequence: missense variant.
Genome position (GRCh38, 1-based): chr17:17,795,583, G>C. VCF-style: chr17-17795583-G-C. GRCh37 (hg19) VCF-style: chr17-17698897-G-C.
Other names: short protein forms G879R.
Identifiers: ClinVar variation 1938092 (VCV001938092.5), dbSNP rs1292895359, ClinGen allele CA398551670.